The following is an entry in ClinVar:

ClinVar aggregate classification (germline): Uncertain significance (1 of 4 stars; one submission).

Submission:

GeneDx
Classification: Uncertain significance. Last evaluated: 2026-01-30. Review status: criteria provided, single submitter. Criteria: GeneDx Variant Classification Process June 2021. Collection method: clinical testing. Allele origin: germline.
Comment: Not observed at significant frequency in large population cohorts (gnomAD); Nonsense variant predicted to result in protein truncation or nonsense mediated decay in a gene or region of a gene for which loss of function is not a well-established mechanism of disease; Has not been previously published as pathogenic or benign to our knowledge

NM_212482.4(FN1):c.5239C>T (p.Gln1747Ter)

Gene: FN1 (fibronectin 1; minus strand). Cytogenetic location: 2q35.
Variant type: single nucleotide variant.
Coding change: c.5239C>T on transcript NM_212482.4 (MANE Select); coding-DNA position 5239, C replaced by T.
Protein change: p.Gln1747Ter; replaces glutamine 1747 with a stop codon.
Molecular consequence: nonsense. On other transcripts: intron variant (10).
Genome position (GRCh38, 1-based): chr2:215,381,006, G>A on the plus strand (C>T on the coding strand, the complement: FN1 is on the minus strand). VCF-style: chr2-215381006-G-A. GRCh37 (hg19) VCF-style: chr2-216245729-G-A.
Other names: c.5239C>T, p.Gln1747Ter (NM_001306129.2); c.4966C>T, p.Gln1656Ter (NM_001365518.2, NM_001365520.2, NM_001365524.2 and 2 more transcripts); c.4891+1206C>T (NM_212474.3, NM_001306132.2, NM_001365523.2 and 2 more transcripts); c.5164+1206C>T (NM_001306130.2, NM_001365522.2, NM_001365519.2 and 2 more transcripts); short protein forms Q1656*, Q1747*.
Identifiers: ClinVar variation 4975237 (VCV004975237.1).